The following is an entry in ClinVar:

ClinVar aggregate classification (germline): Likely benign. Review status: criteria provided, multiple submitters, no conflicts (2 of 4 stars). 4 submissions from 4 submitters: Likely benign (4). Last evaluated 2025-07-31.

Conditions:
Hereditary cancer-predisposing syndrome. Also called: Tumor predisposition; Hereditary Cancer Syndrome; Hereditary neoplastic syndrome; Neoplastic Syndromes, Hereditary. Identifiers: Orphanet 140162, MedGen C0027672, MeSH D009386, MONDO:0015356.
Familial adenomatous polyposis 1 (FAP1). Also called: FAMILIAL ADENOMATOUS POLYPOSIS 1, ATTENUATED; POLYPOSIS, ADENOMATOUS INTESTINAL. Identifiers: MedGen C2713442, MONDO:0021056, OMIM 175100. Disease mechanism: loss of function.
Classic or attenuated familial adenomatous polyposis. Identifiers: MedGen CN372698, MONDO:0021057.

Allele frequency attached by ClinVar (database versions not stated): gnomAD exomes 0.00001.
gnomAD v4.1: 2 of 1,614,162 alleles (0.00012%); highest among the groups gnomAD compares: Admixed American, 0.0033%; no homozygotes.

Submissions (4):

Labcorp Genetics (formerly Invitae), Labcorp
Classification: Likely benign for Familial adenomatous polyposis 1. Last evaluated: 2025-07-31. Review status: criteria provided, single submitter. Criteria: Invitae Variant Classification Sherloc (09022015). Collection method: clinical testing. Allele origin: germline.

All of Us Research Program, National Institutes of Health
Classification: Likely benign for Classic or attenuated familial adenomatous polyposis. Last evaluated: 2023-11-20. Review status: criteria provided, single submitter. Criteria: ACMG Guidelines, 2015. Collection method: clinical testing. Allele origin: germline. Inheritance: Autosomal dominant inheritance. Observed: 1 variant allele, 1 heterozygote.
Comment: This study involves interpretation of variants in research participants for the purpose of population health screening. Participant phenotype was not available at the time of variant classification. Additional details can be found in publication PMID: 35346344, PMCID: PMC8962531

Ambry Genetics
Classification: Likely benign for Hereditary cancer-predisposing syndrome. Last evaluated: 2023-05-12. Review status: criteria provided, single submitter. Criteria: Ambry Variant Classification Scheme 2023. Collection method: clinical testing. Allele origin: germline.

Color Diagnostics, LLC DBA Color Health
Classification: Likely benign for Hereditary cancer-predisposing syndrome. Last evaluated: 2019-03-21. Review status: criteria provided, single submitter. Criteria: ACMG Guidelines, 2015. Collection method: clinical testing. Allele origin: germline.

NM_000038.6(APC):c.3282A>T (p.Gly1094=)

Gene: APC (APC regulator of Wnt signaling pathway; plus strand). Cytogenetic location: 5q22.2.
Variant type: single nucleotide variant.
Coding change: c.3282A>T on transcript NM_000038.6 (MANE Select); coding-DNA position 3282, A replaced by T.
Protein change: p.Gly1094=; no amino-acid change (glycine 1094 retained).
Molecular consequence: synonymous variant.
Genome position (GRCh38, 1-based): chr5:112,838,876, A>T. VCF-style: chr5-112838876-A-T. GRCh37 (hg19) VCF-style: chr5-112174573-A-T.
Other names: c.3282A>T, p.Gly1094= (NM_001127510.3, NM_001354895.2); c.3228A>T, p.Gly1076= (NM_001127511.3); c.3336A>T, p.Gly1112= (NM_001354896.2); c.3312A>T, p.Gly1104= (NM_001354897.2); c.3207A>T, p.Gly1069= (NM_001354898.2); c.3198A>T, p.Gly1066= (NM_001354899.2); c.3159A>T, p.Gly1053= (NM_001354900.2); c.3105A>T, p.Gly1035= (NM_001354901.2); and 5 more.
Identifiers: ClinVar variation 411405 (VCV000411405.13), dbSNP rs1060503290, ClinGen allele CA16611643.
Genomic context (GRCh38, chr5:112,838,876, plus strand): 5'-TTATCCTGTTTATACTGAGAGCACTGATGATAAACACCTCAAGTTCCAACCACATTTTGG[A>T]CAGCAGGAATGTGTTTCTCCATACAGGTCACGGGGAGCCAATGGTTCAGAAACAAATCGA-3'
Protein context (NP_000029.2, residues 1084-1104): DKHLKFQPHF[Gly1094=]QQECVSPYRS